The following is an entry in ClinVar:

ClinVar aggregate classification (germline): Uncertain significance (1 of 4 stars; one submission).

Allele frequency attached by ClinVar (database versions not stated): gnomAD exomes 0.00001; ExAC 0.00002; gnomAD 0.00003; TOPMed 0.00003.
gnomAD v4.1: 22 of 1,613,860 alleles (0.0014%); highest among the groups gnomAD compares: Admixed American, 0.01%; no homozygotes.

Submission:

Labcorp Genetics (formerly Invitae), Labcorp
Classification: Uncertain significance. Last evaluated: 2025-10-01. Review status: criteria provided, single submitter. Criteria: Invitae Variant Classification Sherloc (09022015). Collection method: clinical testing. Allele origin: germline.
Comment: This sequence change replaces proline, which is neutral and non-polar, with arginine, which is basic and polar, at codon 184 of the PIK3C2A protein (p.Pro184Arg). This variant is present in population databases (rs768933796, gnomAD 0.009%). This variant has not been reported in the literature in individuals affected with PIK3C2A-related conditions. ClinVar contains an entry for this variant (Variation ID: 2186493). An algorithm developed to predict the effect of missense changes on protein structure and function (PolyPhen-2) suggests that this variant is likely to be tolerated. In summary, the available evidence is currently insufficient to determine the role of this variant in disease. Therefore, it has been classified as a Variant of Uncertain Significance.

NM_002645.4(PIK3C2A):c.551C>G (p.Pro184Arg)

Gene: PIK3C2A (phosphatidylinositol-4-phosphate 3-kinase catalytic subunit type 2 alpha; minus strand). Cytogenetic location: 11p15.1.
Variant type: single nucleotide variant.
Coding change: c.551C>G on transcript NM_002645.4 (MANE Select); coding-DNA position 551, C replaced by G.
Protein change: p.Pro184Arg; replaces proline 184 with arginine.
Molecular consequence: missense variant. On other transcripts: intron variant (1).
Genome position (GRCh38, 1-based): chr11:17,169,191, G>C on the plus strand (C>G on the coding strand, the complement: PIK3C2A is on the minus strand). VCF-style: chr11-17169191-G-C. GRCh37 (hg19) VCF-style: chr11-17190738-G-C.
Other names: c.551C>G, p.Pro184Arg (NM_001321378.2, NM_001386870.1); c.-75-13562C>G (NM_001321380.2); short protein forms P184R.
Identifiers: ClinVar variation 2186493 (VCV002186493.3), dbSNP rs768933796, ClinGen allele CA5901549.
Genomic context (GRCh38, chr11:17,169,191, plus strand): 5'-GTGGCAGGTGTCAAAGGATATGAGAAATATGGAGATTGTCCCGGAAGACTTAAATATATA[G>C]GTTCTGTAGATGGAAAAGTGGGCATTCTTGGATTGAAGCCATTTTGGAATGCAGCCTGTT-3'
Protein context (NP_002636.2, residues 174-194): PRMPTFPSTE[Pro184Arg]IYLSLPGQSP